The following is an entry in ClinVar:

NM_004006.3(DMD):c.6913-4316del

Gene: DMD (dystrophin; minus strand). Cytogenetic location: Xp21.1.
Variant type: Deletion.
Coding change: c.6913-4316del on transcript NM_004006.3 (MANE Select); 4316 bases into the intron before coding-DNA position 6913, one base deleted (T; older notation c.6913-4316delT).
Molecular consequence: intron variant.
Genome position (GRCh38, 1-based): chrX:31,879,689, A deleted on the plus strand (T on the coding strand, the reverse complement: DMD is on the minus strand). VCF-style (leftmost placement, unchanged base first): chrX-31879688-TA-T. GRCh37 (hg19) VCF-style: chrX-31897805-TA-T.
Other names: c.6889-4316del (NM_000109.4); c.2890-4316del (NM_004011.4); c.2881-4316del (NM_004012.4); c.-468-4316del (NM_004023.3, NM_004020.4, NM_004022.3 and 2 more transcripts); c.6901-4316del (NM_004009.3); c.6544-4316del (NM_004010.3); c.6913-4316delT (NM_004006.2).
Identifiers: ClinVar variation 671431 (VCV000671431.1), dbSNP rs200205562, ClinGen allele CA328483468.

ClinVar aggregate classification (germline): Benign (1 of 4 stars; one submission).

Allele frequency attached by ClinVar (database versions not stated): gnomAD 0.01653 and 0.01785; 1000 Genomes Project 0.01722; TOPMed 0.01909.

Submission:

GeneDx
Classification: Benign. Last evaluated: 2018-06-18. Review status: criteria provided, single submitter. Criteria: GeneDx Variant Classification (06012015). Collection method: clinical testing. Allele origin: germline. Affected: yes.
Comment: This variant is considered likely benign or benign based on one or more of the following criteria: it is a conservative change, it occurs at a poorly conserved position in the protein, it is predicted to be benign by multiple in silico algorithms, and/or has population frequency not consistent with disease.